The following is an entry in ClinVar:

ClinVar aggregate classification (germline): Uncertain significance. Review status: criteria provided, multiple submitters, no conflicts (2 of 4 stars). 2 submissions from 2 submitters: Uncertain significance (2). Last evaluated 2023-11-14.

Conditions:
Muscular dystrophy-dystroglycanopathy type B6 (MDDGB6). Also called: MUSCULAR DYSTROPHY-DYSTROGLYCANOPATHY (CONGENITAL WITH IMPAIRED INTELLECTUAL DEVELOPMENT), TYPE B, 6; MUSCULAR DYSTROPHY, CONGENITAL, LARGE-RELATED; MUSCULAR DYSTROPHY, CONGENITAL, TYPE 1D. Identifiers: MedGen C1837229, MONDO:0012138, OMIM 608840.

Allele frequency attached by ClinVar (database versions not stated): gnomAD exomes 0.00001.
gnomAD v4.1: 11 of 1,614,164 alleles (0.00068%); highest among the groups gnomAD compares: East Asian, 0.0022%; no homozygotes.

Submissions (2):

Revvity Omics, Revvity
Classification: Uncertain significance. Last evaluated: 2023-11-14. Review status: criteria provided, single submitter. Criteria: ACMG Guidelines, 2015. Collection method: clinical testing. Allele origin: germline.

Labcorp Genetics (formerly Invitae), Labcorp
Classification: Uncertain significance for Muscular dystrophy-dystroglycanopathy type B6. Last evaluated: 2021-11-18. Review status: criteria provided, single submitter. Criteria: Invitae Variant Classification Sherloc (09022015). Collection method: clinical testing. Allele origin: germline.
Comment: In summary, the available evidence is currently insufficient to determine the role of this variant in disease. Therefore, it has been classified as a Variant of Uncertain Significance. Algorithms developed to predict the effect of missense changes on protein structure and function are either unavailable or do not agree on the potential impact of this missense change (SIFT: "Deleterious"; PolyPhen-2: "Probably Damaging"; Align-GVGD: "Class C0"). This variant has not been reported in the literature in individuals affected with LARGE1-related conditions. This variant is not present in population databases (gnomAD no frequency). This sequence change replaces arginine, which is basic and polar, with tryptophan, which is neutral and slightly polar, at codon 388 of the LARGE1 protein (p.Arg388Trp).

NM_133642.5(LARGE1):c.1162C>T (p.Arg388Trp)

Gene: LARGE1 (LARGE xylosyl- and glucuronyltransferase 1; minus strand). Cytogenetic location: 22q12.3.
Variant type: single nucleotide variant.
Coding change: c.1162C>T on transcript NM_133642.5 (MANE Select); coding-DNA position 1162, C replaced by T.
Protein change: p.Arg388Trp; replaces arginine 388 with tryptophan.
Molecular consequence: missense variant. On other transcripts: intron variant (2).
Genome position (GRCh38, 1-based): chr22:33,337,771, G>A on the plus strand (C>T on the coding strand, the complement: LARGE1 is on the minus strand). VCF-style: chr22-33337771-G-A. GRCh37 (hg19) VCF-style: chr22-33733757-G-A.
Other names: c.1162C>T (NM_004737.4); c.1162C>T, p.Arg388Trp (NM_001362949.2, NM_001362951.2, NM_001362953.2 and 6 more transcripts); c.559C>T, p.Arg187Trp (NM_001378630.1); c.1132-21523C>T (NM_001378629.1); c.529-21523C>T (NM_001378631.1); short protein forms R187W, R388W.
Identifiers: ClinVar variation 1515856 (VCV001515856.7), dbSNP rs767127452, ClinGen allele CA323715890.